The following is an entry in ClinVar:

ClinVar aggregate classification (germline): Uncertain significance (1 of 4 stars; one submission).

Conditions:
Muscular dystrophy, limb-girdle, autosomal dominant 4. Also called: Calpain-3-related limb-girdle muscular dystrophy D4; MUSCULAR DYSTROPHY, LIMB-GIRDLE, TYPE 1I. Identifiers: Orphanet 565909, MedGen C4748295, MONDO:0029133, OMIM 618129.

gnomAD v4.1: 1 of 1,614,170 alleles (0.000062%); highest among the groups gnomAD compares: South Asian, 0.0011%; no homozygotes.

Submission:

Neuberg Centre For Genomic Medicine, NCGM
Classification: Uncertain significance for Muscular dystrophy, limb-girdle, autosomal dominant 4. Review status: criteria provided, single submitter. Criteria: ACMG Guidelines, 2015. Collection method: clinical testing. Allele origin: germline. Inheritance: Autosomal recessive inheritance. Affected: yes.
Comment: The missense c.430C>T(p.Leu144Phe) variant in the CAPN3 gene has not been reported previously as a pathogenic variant nor as a benign variant, to our knowledge. This variant is reported with the allele frequency 0.0003% in the gnomAD. The amino acid Leucine at position 144 is changed to a Phenylalanine changing protein sequence and it might alter its composition and physico-chemical properties. The variant is predicted as damaging by SIFT. The amino acid change p.Leu144Phe in CAPN3 is predicted as conserved by GERP++ and PhyloP across 100 vertebrates. For these reasons, this variant has been classified as Uncertain Significance.

NM_000070.3(CAPN3):c.430C>T (p.Leu144Phe)

Genes: CAPN3 (calpain 3; plus strand), LOC126862115 (BRD4-independent group 4 enhancer GRCh37_chr15:42677734-42678933; plus strand). Cytogenetic location: 15q15.1.
Variant type: single nucleotide variant.
Coding change: c.430C>T on transcript NM_000070.3 (MANE Select); coding-DNA position 430, C replaced by T.
Protein change: p.Leu144Phe; replaces leucine 144 with phenylalanine.
Molecular consequence: missense variant.
Genome position (GRCh38, 1-based): chr15:42,386,217, C>T. VCF-style: chr15-42386217-C-T. GRCh37 (hg19) VCF-style: chr15-42678415-C-T.
Other names: c.430C>T, p.Leu144Phe (NM_024344.2, NM_173087.2); c.169C>T, p.Leu57Phe (NM_212464.2); c.*123C>T (NM_212467.2); short protein forms L144F, L57F.
Identifiers: ClinVar variation 3242028 (VCV003242028.1), dbSNP rs1277687577.